The following is an entry in ClinVar:

NM_001270508.2(TNFAIP3):c.2364G>A (p.Met788Ile)

Gene: TNFAIP3 (TNF alpha induced protein 3; plus strand). Cytogenetic location: 6q23.3.
Variant type: single nucleotide variant.
Coding change: c.2364G>A on transcript NM_001270508.2 (MANE Select); coding-DNA position 2364, G replaced by A.
Protein change: p.Met788Ile; replaces methionine 788 with isoleucine.
Molecular consequence: missense variant.
Genome position (GRCh38, 1-based): chr6:137,881,310, G>A. VCF-style: chr6-137881310-G-A. GRCh37 (hg19) VCF-style: chr6-138202447-G-A.
Other names: c.2364G>A (NM_006290.3); c.2364G>A, p.Met788Ile (NM_001270507.2, NM_006290.4); short protein forms M788I.
Identifiers: ClinVar variation 1096311 (VCV001096311.55), dbSNP rs143002189, ClinGen allele CA4019849.

ClinVar aggregate classification (germline): Conflicting classifications of pathogenicity. Review status: criteria provided, conflicting classifications (1 of 4 stars). 7 submissions from 7 submitters: Uncertain significance (1); Benign (1); Likely benign (4). 1 of the submissions does not count toward it. Last evaluated 2026-01-31.

Conditions:
TNFAIP3-related disorder. Also called: TNFAIP3-related condition.
Autoinflammatory syndrome, familial, Behcet-like 1 (AIFBL1). Also called: Haploinsufficiency of A20. Identifiers: Orphanet 674762, MedGen C4225218, MONDO:0800045, OMIM 616744.

Allele frequency attached by ClinVar (database versions not stated): 1000 Genomes Project 30x 0.00031; gnomAD exomes 0.00031 and 0.00043; TOPMed 0.00035; ESP Exome Variant Server 0.00039; 1000 Genomes Project 0.00040; ExAC 0.00043; gnomAD 0.00044 and 0.00045.

Submissions (7):

Labcorp Genetics (formerly Invitae), Labcorp
Classification: Likely benign. Last evaluated: 2026-01-31. Review status: criteria provided, single submitter. Criteria: Invitae Variant Classification Sherloc (09022015). Collection method: clinical testing. Allele origin: germline.

CeGaT Center for Human Genetics Tuebingen
Classification: Benign. Last evaluated: 2025-10-01. Review status: criteria provided, single submitter. Criteria: CeGaT Center For Human Genetics Tuebingen Variant Classification Criteria Version 2. Collection method: clinical testing. Allele origin: germline. Affected: yes. Observed: 3 variant alleles.
Comment: TNFAIP3: BP1, BP4, BS1, BS2

Women's Health and Genetics/Laboratory Corporation of America, LabCorp
Classification: Likely benign. Last evaluated: 2025-03-03. Review status: criteria provided, single submitter. Criteria: LabCorp Variant Classification Summary - May 2015. Collection method: clinical testing. Allele origin: germline.
Comment: Variant summary: TNFAIP3 c.2364G>A (p.Met788Ile) results in a conservative amino acid change in the encoded protein sequence. Five of five in-silico tools predict a benign effect of the variant on protein function. The variant allele was found at a frequency of 0.00043 in 188080 control chromosomes. The observed variant frequency is approximately 430-fold of the estimated maximal expected allele frequency for a pathogenic variant in TNFAIP3 causing familial Behcet-like Autoinflammatory syndrome-1 phenotype (1e-06). c.2364G>A has been reported in the literature as a VUS in a setting of clinical exone sequencing in at least one individual affected with childhood-onset systemic lupus erythematosus (Raupov_2024). This report does not provide unequivocal conclusions about association of the variant with familial Behcet-like Autoinflammatory syndrome-1. To our knowledge, no experimental evidence demonstrating an impact on protein function has been reported. The following publication has been ascertained in the context of this evaluation (PMID: 38927451). ClinVar contains an entry for this variant (Variation ID: 1096311). Based on the evidence outlined above, the variant was classified as likely benign.

Blueprint Genetics
Classification: Likely benign. Last evaluated: 2024-10-24. Review status: criteria provided, single submitter. Criteria: ACMG Guidelines, 2015. Collection method: clinical testing. Allele origin: germline.

ARUP Laboratories, Molecular Genetics and Genomics, ARUP Laboratories
Classification: Likely benign for Autoinflammatory syndrome, familial, Behcet-like 1. Last evaluated: 2023-05-01. Review status: criteria provided, single submitter. Criteria: ARUP Molecular Germline Variant Investigation Process 2024. Collection method: clinical testing. Allele origin: germline.

Institute for Clinical Genetics, University Hospital TU Dresden, University Hospital TU Dresden
Classification: Uncertain significance. Last evaluated: 2021-11-03. Review status: criteria provided, single submitter. Criteria: ACMG Guidelines, 2015. Collection method: clinical testing. Allele origin: germline.

PreventionGenetics, part of Exact Sciences
Classification: Likely benign for TNFAIP3-related condition. Last evaluated: 2020-03-16. Review status: no assertion criteria provided. Collection method: clinical testing. Allele origin: germline. Not counted in ClinVar's aggregate classification.
Comment: This variant is classified as likely benign based on ACMG/AMP sequence variant interpretation guidelines (Richards et al. 2015 PMID: 25741868, with internal and published modifications).

Literature cited by the submitters: PubMed 38927451 (cited by Women's Health and Genetics/Laboratory Corporation of America, LabCorp).